The following is an entry in ClinVar:

ClinVar aggregate classification (germline): Uncertain significance (1 of 4 stars; one submission).

Submission:

Labcorp Genetics (formerly Invitae), Labcorp
Classification: Uncertain significance. Last evaluated: 2021-12-11. Review status: criteria provided, single submitter. Criteria: Invitae Variant Classification Sherloc (09022015). Collection method: clinical testing. Allele origin: germline.
Comment: This sequence change replaces alanine, which is neutral and non-polar, with serine, which is neutral and polar, at codon 3281 of the DCHS1 protein (p.Ala3281Ser). This variant is not present in population databases (gnomAD no frequency). In summary, the available evidence is currently insufficient to determine the role of this variant in disease. Therefore, it has been classified as a Variant of Uncertain Significance. Advanced modeling of protein sequence and biophysical properties (such as structural, functional, and spatial information, amino acid conservation, physicochemical variation, residue mobility, and thermodynamic stability) performed at Invitae indicates that this missense variant is not expected to disrupt DCHS1 protein function. This variant has not been reported in the literature in individuals affected with DCHS1-related conditions.

NM_003737.4(DCHS1):c.9841G>T (p.Ala3281Ser)

Gene: DCHS1 (dachsous cadherin-related 1; minus strand). Cytogenetic location: 11p15.4.
Variant type: single nucleotide variant.
Coding change: c.9841G>T on transcript NM_003737.4 (MANE Select); coding-DNA position 9841, G replaced by T.
Protein change: p.Ala3281Ser; replaces alanine 3281 with serine.
Molecular consequence: missense variant.
Genome position (GRCh38, 1-based): chr11:6,621,835, C>A on the plus strand (G>T on the coding strand, the complement: DCHS1 is on the minus strand). VCF-style: chr11-6621835-C-A. GRCh37 (hg19) VCF-style: chr11-6643066-C-A.
Other names: short protein forms A3281S.
Identifiers: ClinVar variation 2039984 (VCV002039984.4), dbSNP rs1192783882, ClinGen allele CA379477591.